The following is an entry in ClinVar:

ClinVar aggregate classification (germline): Uncertain significance. Review status: criteria provided, multiple submitters, no conflicts (2 of 4 stars). 2 submissions from 2 submitters: Uncertain significance (2). Last evaluated 2024-11-05.

Conditions:
Hereditary pancreatitis (PCTT). Also called: Hereditary chronic pancreatitis; PRSS1-Related Hereditary Pancreatitis. Identifiers: Orphanet 676, MedGen C0238339, MONDO:0008185, OMIM 167800.

Submissions (2):

Ambry Genetics
Classification: Uncertain significance for Hereditary pancreatitis. Last evaluated: 2024-11-05. Review status: criteria provided, single submitter. Criteria: Ambry Variant Classification Scheme 2023. Collection method: clinical testing. Allele origin: germline.
Comment: The c.454+3G>T intronic variant results from a G to T substitution 3 nucleotides after coding exon 3 in the PRSS1 gene. This nucleotide position is well conserved in available vertebrate species. In silico splice site analysis predicts that this alteration will not have any significant effect on splicing. Based on the available evidence, the clinical significance of this variant remains unclear.

Women's Health and Genetics/Laboratory Corporation of America, LabCorp
Classification: Uncertain significance. Last evaluated: 2018-02-20. Review status: criteria provided, single submitter. Criteria: LabCorp Variant Classification Summary - May 2015. Collection method: clinical testing. Allele origin: germline.
Comment: Variant summary: PRSS1 c.454+3G>T alters a non-conserved nucleotide located close to a canonical splice site and therefore could affect mRNA splicing, leading to a significantly altered protein sequence. Several computational tools predict a significant impact on normal splicing: three predict the variant weakens a 5' donor site. However, these predictions have yet to be confirmed by functional studies. The variant was absent in 246158 control chromosomes (gnomAD). The available data on variant occurrences in the general population are insufficient to allow any conclusion about variant significance. To our knowledge, no occurrence of c.454+3G>T in individuals affected with Chronic Pancreatitis and no experimental evidence demonstrating its impact on protein function have been reported. No clinical diagnostic laboratories have submitted clinical-significance assessments for this variant to ClinVar after 2014. Based on the evidence outlined above, the variant was classified as uncertain significance.

NM_002769.5(PRSS1):c.454+3G>T

Genes: PRSS1 (serine protease 1; plus strand), TRB (T cell receptor beta locus; plus strand). Cytogenetic location: 7q34.
Variant type: single nucleotide variant.
Coding change: c.454+3G>T on transcript NM_002769.5 (MANE Select); 3 bases into the intron after coding-DNA position 454, G replaced by T.
Molecular consequence: intron variant.
Genome position (GRCh38, 1-based): chr7:142,752,030, G>T. VCF-style: chr7-142752030-G-T. GRCh37 (hg19) VCF-style: chr7-142459881-G-T.
Identifiers: ClinVar variation 633377 (VCV000633377.2), dbSNP rs375996400, ClinGen allele CA913189974.
Genomic context (GRCh38, chr7:142,752,030, plus strand): 5'-CCAGCCACTGGCACGAAGTGCCTCATCTCTGGCTGGGGCAACACTGCGAGCTCTGGCGGT[G>T]AGTGGGACCCTTAGTCCTTCTACTTCCCTCCATCCTCACAATTTCCAGAACAAACCATGC-3'